The following is an entry in ClinVar:

NM_052947.4(ALPK2):c.2350A>C (p.Thr784Pro)

Gene: ALPK2 (alpha kinase 2; minus strand). Cytogenetic location: 18q21.31.
Variant type: single nucleotide variant.
Coding change: c.2350A>C on transcript NM_052947.4 (MANE Select); coding-DNA position 2350, A replaced by C.
Protein change: p.Thr784Pro; replaces threonine 784 with proline.
Molecular consequence: missense variant.
Genome position (GRCh38, 1-based): chr18:58,537,837, T>G on the plus strand (A>C on the coding strand, the complement: ALPK2 is on the minus strand). VCF-style: chr18-58537837-T-G. GRCh37 (hg19) VCF-style: chr18-56205069-T-G.
Other names: short protein forms T784P.
Identifiers: ClinVar variation 3531968 (VCV003531968.1).

ClinVar aggregate classification (germline): Uncertain significance (1 of 4 stars; one submission).

Submission:

Ambry Genetics
Classification: Uncertain significance. Last evaluated: 2024-11-03. Review status: criteria provided, single submitter. Criteria: Ambry Variant Classification Scheme 2023. Collection method: clinical testing. Allele origin: germline.
Comment: The p.T784P variant (also known as c.2350A>C), located in coding exon 4 of the ALPK2 gene, results from an A to C substitution at nucleotide position 2350. The threonine at codon 784 is replaced by proline, an amino acid with highly similar properties. This amino acid position is conserved. In addition, this alteration is predicted to be tolerated by in silico analysis. Based on the available evidence, the clinical significance of this variant remains unclear.